The following is an entry in ClinVar:

ClinVar aggregate classification (germline): Uncertain significance. Review status: criteria provided, multiple submitters, no conflicts (2 of 4 stars). 2 submissions from 2 submitters: Uncertain significance (2). Last evaluated 2025-11-03.

Conditions:
Inborn genetic diseases. Identifiers: MedGen C0950123, MeSH D030342.

Allele frequency attached by ClinVar (database versions not stated): ExAC 0.00001; gnomAD 0.00001.
gnomAD v4.1: 19 of 1,614,132 alleles (0.0012%); highest among the groups gnomAD compares: East Asian, 0.0045%; no homozygotes.

Submissions (2):

Ambry Genetics
Classification: Uncertain significance for Inborn genetic diseases. Last evaluated: 2025-11-03. Review status: criteria provided, single submitter. Criteria: Ambry Variant Classification Scheme 2023. Collection method: clinical testing. Allele origin: germline.

Labcorp Genetics (formerly Invitae), Labcorp
Classification: Uncertain significance. Last evaluated: 2022-11-08. Review status: criteria provided, single submitter. Criteria: Invitae Variant Classification Sherloc (09022015). Collection method: clinical testing. Allele origin: germline.
Comment: In summary, the available evidence is currently insufficient to determine the role of this variant in disease. Therefore, it has been classified as a Variant of Uncertain Significance. Advanced modeling of protein sequence and biophysical properties (such as structural, functional, and spatial information, amino acid conservation, physicochemical variation, residue mobility, and thermodynamic stability) has been performed at Invitae for this missense variant, however the output from this modeling did not meet the statistical confidence thresholds required to predict the impact of this variant on UNC45A protein function. ClinVar contains an entry for this variant (Variation ID: 1518841). This variant has not been reported in the literature in individuals affected with UNC45A-related conditions. This variant is present in population databases (rs763303840, gnomAD 0.0009%). This sequence change replaces valine, which is neutral and non-polar, with methionine, which is neutral and non-polar, at codon 458 of the UNC45A protein (p.Val458Met).

NM_018671.5(UNC45A):c.1372G>A (p.Val458Met)

Gene: UNC45A (unc-45 myosin chaperone A; plus strand). Cytogenetic location: 15q26.1.
Variant type: single nucleotide variant.
Coding change: c.1372G>A on transcript NM_018671.5 (MANE Select); coding-DNA position 1372, G replaced by A.
Protein change: p.Val458Met; replaces valine 458 with methionine.
Molecular consequence: missense variant.
Genome position (GRCh38, 1-based): chr15:90,946,786, G>A. VCF-style: chr15-90946786-G-A. GRCh37 (hg19) VCF-style: chr15-91490016-G-A.
Other names: c.1327G>A, p.Val443Met (NM_001039675.2, NM_001323621.2); c.1372G>A, p.Val458Met (NM_001323619.1); c.937G>A, p.Val313Met (NM_001323620.2); c.1372G>A (NM_018671.3); short protein forms V313M, V443M, V458M.
Identifiers: ClinVar variation 1518841 (VCV001518841.7), dbSNP rs763303840, ClinGen allele CA7742885.